The following is an entry in ClinVar:

ClinVar aggregate classification (germline): Uncertain significance (1 of 4 stars; one submission).

Conditions:
Transcobalamin II deficiency (TCN2D). Also called: TC II DEFICIENCY; TCN2 DEFICIENCY; Transcolabamin II deficiency. Identifiers: Orphanet 859, MedGen C0342701, MONDO:0010149, OMIM 275350.

Allele frequency attached by ClinVar (database versions not stated): gnomAD exomes below 0.00001 and 0.00001; TOPMed below 0.00001; ExAC 0.00001; gnomAD 0.00001.
gnomAD v4.1: 9 of 1,614,050 alleles (0.00056%); highest among the groups gnomAD compares: African/African-American, 0.0027%; no homozygotes.

Submission:

Labcorp Genetics (formerly Invitae), Labcorp
Classification: Uncertain significance for Transcobalamin II deficiency. Last evaluated: 2021-08-27. Review status: criteria provided, single submitter. Criteria: Invitae Variant Classification Sherloc (09022015). Collection method: clinical testing. Allele origin: germline.
Comment: This sequence change replaces arginine with glutamine at codon 44 of the TCN2 protein (p.Arg44Gln). The arginine residue is moderately conserved and there is a small physicochemical difference between arginine and glutamine. This variant is present in population databases (rs770055978, ExAC 0.001%). This variant has not been reported in the literature in individuals affected with TCN2-related conditions. Algorithms developed to predict the effect of missense changes on protein structure and function output the following: SIFT: "Tolerated"; PolyPhen-2: "Benign"; Align-GVGD: "Class C0". The glutamine amino acid residue is found in multiple mammalian species, which suggests that this missense change does not adversely affect protein function. Algorithms developed to predict the effect of sequence changes on RNA splicing suggest that this variant may create or strengthen a splice site. In summary, the available evidence is currently insufficient to determine the role of this variant in disease. Therefore, it has been classified as a Variant of Uncertain Significance.

NM_000355.4(TCN2):c.131G>A (p.Arg44Gln)

Gene: TCN2 (transcobalamin 2; plus strand). Cytogenetic location: 22q12.2.
Variant type: single nucleotide variant.
Coding change: c.131G>A on transcript NM_000355.4 (MANE Select); coding-DNA position 131, G replaced by A.
Protein change: p.Arg44Gln; replaces arginine 44 with glutamine.
Molecular consequence: missense variant.
Genome position (GRCh38, 1-based): chr22:30,610,937, G>A. VCF-style: chr22-30610937-G-A. GRCh37 (hg19) VCF-style: chr22-31006924-G-A.
Other names: c.131G>A, p.Arg44Gln (NM_001184726.2); short protein forms R44Q.
Identifiers: ClinVar variation 1479210 (VCV001479210.5), dbSNP rs770055978, ClinGen allele CA10184495.